The following is an entry in ClinVar:

ClinVar aggregate classification (germline): Benign. Review status: criteria provided, multiple submitters, no conflicts (2 of 4 stars). 2 submissions from 2 submitters: Benign (2). Last evaluated 2018-06-14.

Allele frequency attached by ClinVar (database versions not stated): gnomAD exomes 0.04270; gnomAD 0.11758 and 0.11947; TOPMed 0.12765; 1000 Genomes Project 30x 0.16084; 1000 Genomes Project 0.16214.
gnomAD v4.1: 67,797 of 1,304,944 alleles (5.2%); highest among the groups gnomAD compares: African/African-American, 30%; 4,496 homozygotes.

Submissions (2):

GeneDx
Classification: Benign. Last evaluated: 2018-06-14. Review status: criteria provided, single submitter. Criteria: GeneDx Variant Classification (06012015). Collection method: clinical testing. Allele origin: germline. Affected: yes.
Comment: This variant is considered likely benign or benign based on one or more of the following criteria: it is a conservative change, it occurs at a poorly conserved position in the protein, it is predicted to be benign by multiple in silico algorithms, and/or has population frequency not consistent with disease.

Breakthrough Genomics
Classification: Benign. Review status: criteria provided, single submitter. Criteria: ACMG Guidelines, 2015. Collection method: not provided. Allele origin: germline. Inheritance: Autosomal recessive inheritance. Affected: yes.

NM_001852.4(COL9A2):c.150+273C>T

Genes: COL9A2 (collagen type IX alpha 2 chain; minus strand), LOC129930259 (ATAC-STARR-seq lymphoblastoid active region 842; plus strand). Cytogenetic location: 1p34.2.
Variant type: single nucleotide variant.
Coding change: c.150+273C>T on transcript NM_001852.4 (MANE Select); 273 bases into the intron after coding-DNA position 150, C replaced by T.
Molecular consequence: intron variant.
Genome position (GRCh38, 1-based): chr1:40,315,317, G>A on the plus strand (C>T on the coding strand, the complement: COL9A2 is on the minus strand). VCF-style: chr1-40315317-G-A. GRCh37 (hg19) VCF-style: chr1-40780989-G-A.
Identifiers: ClinVar variation 683424 (VCV000683424.2), dbSNP rs209920, ClinGen allele CA15103666.